The following is an entry in ClinVar:

ClinVar aggregate classification (germline): Pathogenic (1 of 4 stars; one submission).

Conditions:
CEP290-related ciliopathy. Also called: CEP290 ciliopathy. Identifiers: MedGen CN305601, MONDO:0100451.

Submission:

Myriad Genetics, Inc.
Classification: Pathogenic for CEP290-related ciliopathy. Last evaluated: 2026-02-17. Review status: criteria provided, single submitter. Criteria: Myriad Autosomal Dominant, Autosomal Recessive and X-Linked Classification Criteria (2023). Collection method: clinical testing. Allele origin: unknown.
Comment: NM_025114.3(CEP290):c.398delA(D133Afs*30) is expected to be pathogenic in the context of CEP290-related disorders. This variant is predicted to lead to an abnormal or absent protein product due to the creation of a premature termination codon in CEP290, a gene where loss-of-function variants are known to be pathogenic. Please note: this variant was assessed in the context of healthy population screening.

NM_025114.4(CEP290):c.398del (p.Asp133fs)

Gene: CEP290 (centrosomal protein 290; minus strand). Cytogenetic location: 12q21.32.
Variant type: Deletion.
Coding change: c.398del on transcript NM_025114.4 (MANE Select); coding-DNA position 398, one base deleted (A; older notation c.398delA).
Protein change: p.Asp133fs; shifts the reading frame from aspartic acid 133.
Molecular consequence: frameshift variant.
Genome position (GRCh38, 1-based): chr12:88,136,686, T deleted on the plus strand (A on the coding strand, the reverse complement: CEP290 is on the minus strand). VCF-style (leftmost placement, unchanged base first): chr12-88136685-GT-G. GRCh37 (hg19) VCF-style: chr12-88530462-GT-G.
Other names: short protein forms D133fs.
Identifiers: ClinVar variation 5015566 (VCV005015566.1).